The following is an entry in ClinVar:

NM_017617.5(NOTCH1):c.5489T>C (p.Val1830Ala)

Gene: NOTCH1 (notch receptor 1; minus strand). Cytogenetic location: 9q34.3.
Variant type: single nucleotide variant.
Coding change: c.5489T>C on transcript NM_017617.5 (MANE Select); coding-DNA position 5489, T replaced by C.
Protein change: p.Val1830Ala; replaces valine 1830 with alanine.
Molecular consequence: missense variant.
Genome position (GRCh38, 1-based): chr9:136,501,897, A>G on the plus strand (T>C on the coding strand, the complement: NOTCH1 is on the minus strand). VCF-style: chr9-136501897-A-G. GRCh37 (hg19) VCF-style: chr9-139396349-A-G.
Other names: short protein forms V1830A.
Identifiers: ClinVar variation 3718375 (VCV003718375.2).

ClinVar aggregate classification (germline): Uncertain significance (1 of 4 stars; one submission).

Conditions:
Adams-Oliver syndrome 5 (AOS5). Identifiers: Orphanet 974, MedGen C4014970, MONDO:0014459, OMIM 616028.

gnomAD v4.1: 1 of 1,611,880 alleles (0.000062%); highest among the groups gnomAD compares: Non-Finnish European, 0.000085%; no homozygotes.

Submission:

Labcorp Genetics (formerly Invitae), Labcorp
Classification: Uncertain significance for Adams-Oliver syndrome 5. Last evaluated: 2024-07-01. Review status: criteria provided, single submitter. Criteria: Invitae Variant Classification Sherloc (09022015). Collection method: clinical testing. Allele origin: germline.
Comment: This sequence change replaces valine, which is neutral and non-polar, with alanine, which is neutral and non-polar, at codon 1830 of the NOTCH1 protein (p.Val1830Ala). This variant is not present in population databases (gnomAD no frequency). This variant has not been reported in the literature in individuals affected with NOTCH1-related conditions. Advanced modeling of protein sequence and biophysical properties (such as structural, functional, and spatial information, amino acid conservation, physicochemical variation, residue mobility, and thermodynamic stability) performed at Invitae indicates that this missense variant is not expected to disrupt NOTCH1 protein function with a negative predictive value of 80%. In summary, the available evidence is currently insufficient to determine the role of this variant in disease. Therefore, it has been classified as a Variant of Uncertain Significance.